The following is an entry in ClinVar:

ClinVar aggregate classification (germline): Pathogenic/Likely pathogenic. Review status: criteria provided, multiple submitters, no conflicts (2 of 4 stars). 2 submissions from 2 submitters: Pathogenic (1); Likely pathogenic (1). Last evaluated 2025-11-04.

Conditions:
Familial cancer of breast. Also called: hereditary breast carcinoma; Hereditary breast cancer; BREAST CANCER, FAMILIAL. Identifiers: Orphanet 227535, MedGen C0346153, MONDO:0016419, OMIM 114480. Disease mechanism: loss of function.

Submissions (2):

Quest Diagnostics Nichols Institute San Juan Capistrano
Classification: Likely pathogenic. Last evaluated: 2025-11-04. Review status: criteria provided, single submitter. Criteria: Quest Diagnostics criteria. Collection method: clinical testing. Allele origin: unknown.
Comment: The PALB2 c.1468_1470delinsTTAACTAAAGTCA (p.Pro490Leufs*9) variant alters the translational reading frame of the PALB2 mRNA and is predicted to cause the premature termination of PALB2 protein synthesis. This variant has not been reported in individuals with PALB2-related conditions in the published literature. This variant has not been reported in large, multi-ethnic general populations (Genome Aggregation Database). Based on the available information, this variant is classified as likely pathogenic.

Labcorp Genetics (formerly Invitae), Labcorp
Classification: Pathogenic for Familial cancer of breast. Last evaluated: 2025-03-16. Review status: criteria provided, single submitter. Criteria: Invitae Variant Classification Sherloc (09022015). Collection method: clinical testing. Allele origin: germline.
Comment: This sequence change creates a premature translational stop signal (p.Pro490Leufs*9) in the PALB2 gene. It is expected to result in an absent or disrupted protein product. Loss-of-function variants in PALB2 are known to be pathogenic (PMID: 17200668, 17200671, 17200672, 24136930, 25099575). Information on the frequency of this variant in the gnomAD database is not available, as this variant may be reported differently in the database. This variant has not been reported in the literature in individuals affected with PALB2-related conditions. For these reasons, this variant has been classified as Pathogenic.

Literature cited by the submitters: PubMed 17200668 (cited by Labcorp Genetics (formerly Invitae), Labcorp); PubMed 17200671 (cited by Labcorp Genetics (formerly Invitae), Labcorp); PubMed 17200672 (cited by Labcorp Genetics (formerly Invitae), Labcorp); PubMed 24136930 (cited by Labcorp Genetics (formerly Invitae), Labcorp); PubMed 25099575 (cited by Labcorp Genetics (formerly Invitae), Labcorp).

NM_024675.4(PALB2):c.1468_1470delinsTTAACTAAAGTCA (p.Pro490fs)

Gene: PALB2 (partner and localizer of BRCA2; minus strand). Cytogenetic location: 16p12.2.
Variant type: Indel.
Coding change: c.1468_1470delinsTTAACTAAAGTCA on transcript NM_024675.4 (MANE Select); coding-DNA positions 1468 to 1470, CCC replaced by TTAACTAAAGTCA.
Protein change: p.Pro490fs; shifts the reading frame from proline 490.
Molecular consequence: frameshift variant.
Genome position (GRCh38, 1-based): chr16:23,635,076-23,635,078, GGG replaced by TGACTTTAGTTAA on the plus strand (CCC replaced by TTAACTAAAGTCA on the coding strand, the reverse complement: PALB2 is on the minus strand). VCF-style: chr16-23635076-GGG-TGACTTTAGTTAA. GRCh37 (hg19) VCF-style: chr16-23646397-GGG-TGACTTTAGTTAA.
Other names: short protein forms P490fs.
Identifiers: ClinVar variation 972096 (VCV000972096.9), dbSNP rs1966964908, ClinGen allele CA1139664616.